The following is an entry in ClinVar:

ClinVar aggregate classification (germline): Pathogenic. Review status: criteria provided, multiple submitters, no conflicts (2 of 4 stars). 3 submissions from 3 submitters: Pathogenic (2). 1 of the submissions does not count toward it. Last evaluated 2024-12-12.

Conditions:
Pulmonary arterial hypertension. Identifiers: Orphanet 182090, MedGen C2973725, MeSH D000081029, MONDO:0015924, HP:0002092.
Cardiovascular phenotype. Identifiers: MedGen CN230736.
Telangiectasia, hereditary hemorrhagic, type 2 (HHT2). Also called: Telangiectasia, hereditary hemorrhagic, type II; ACVRL1-Related Hereditary Hemorrhagic Telangiectasia. Identifiers: Orphanet 774, MedGen C1838163, MONDO:0010880, OMIM 600376. Disease mechanism: loss of function.

Allele frequency attached by ClinVar (database versions not stated): gnomAD exomes below 0.00001.
gnomAD v4.1: 1 of 1,598,922 alleles (0.000063%); highest among the groups gnomAD compares: Non-Finnish European, 0.000085%; no homozygotes.

Submissions (3):

Labcorp Genetics (formerly Invitae), Labcorp
Classification: Pathogenic for Telangiectasia, hereditary hemorrhagic, type 2. Last evaluated: 2024-12-12. Review status: criteria provided, single submitter. Criteria: Invitae Variant Classification Sherloc (09022015). Collection method: clinical testing. Allele origin: germline.
Comment: This sequence change creates a premature translational stop signal (p.Gln112*) in the ACVRL1 gene. It is expected to result in an absent or disrupted protein product. Loss-of-function variants in ACVRL1 are known to be pathogenic (PMID: 15879500). This variant is not present in population databases (gnomAD no frequency). This premature translational stop signal has been observed in individual(s) with pulmonary arterial hypertension (PMID: 29650961, 32581362). ClinVar contains an entry for this variant (Variation ID: 812852). For these reasons, this variant has been classified as Pathogenic.

Ambry Genetics
Classification: Pathogenic for Cardiovascular phenotype. Last evaluated: 2016-05-11. Review status: criteria provided, single submitter. Criteria: Ambry Variant Classification Scheme 2023. Collection method: clinical testing. Allele origin: germline.
Comment: The p.Q112* pathogenic mutation (also known as c.334C>T), located in coding exon 3 of the ACVRL1 gene, results from a C to T substitution at nucleotide position 334. This changes the amino acid from a glutamine to a stop codon within coding exon 3. Since premature stop codons are typically deleterious in nature, this alteration is interpreted as a disease-causing mutation (ACMG Recommendations for Standards for Interpretation and Reporting of Sequence Variations. Revision 2007. Genet Med. 2008;10:294).

NIHR Bioresource Rare Diseases, University of Cambridge
Classification: Pathogenic for Pulmonary arterial hypertension. Review status: no assertion criteria provided. Collection method: research. Allele origin: unknown. Affected: yes. Observed: 1 variant allele. Not counted in ClinVar's aggregate classification.

Literature cited by the submitters: PubMed 15879500 (cited by Labcorp Genetics (formerly Invitae), Labcorp); PubMed 29650961 (cited by Labcorp Genetics (formerly Invitae), Labcorp); PubMed 32581362 (cited by Labcorp Genetics (formerly Invitae), Labcorp and NIHR Bioresource Rare Diseases, University of Cambridge).

NM_000020.3(ACVRL1):c.334C>T (p.Gln112Ter)

Gene: ACVRL1 (activin A receptor like type 1; plus strand). Cytogenetic location: 12q13.13.
Variant type: single nucleotide variant.
Coding change: c.334C>T on transcript NM_000020.3 (MANE Select); coding-DNA position 334, C replaced by T.
Protein change: p.Gln112Ter; replaces glutamine 112 with a stop codon.
Molecular consequence: nonsense.
Genome position (GRCh38, 1-based): chr12:51,913,579, C>T. VCF-style: chr12-51913579-C-T. GRCh37 (hg19) VCF-style: chr12-52307363-C-T.
Other names: c.334C>T, p.Gln112Ter (NM_001077401.2); short protein forms Q112*.
Identifiers: ClinVar variation 812852 (VCV000812852.6), dbSNP rs1592222308, ClinGen allele CA384898349.